The following is an entry in ClinVar:

NM_173653.4(SLC9A9):c.1486G>A (p.Asp496Asn)

Gene: SLC9A9 (solute carrier family 9 member A9; minus strand). Cytogenetic location: 3q24.
Variant type: single nucleotide variant.
Coding change: c.1486G>A on transcript NM_173653.4 (MANE Select); coding-DNA position 1486, G replaced by A.
Protein change: p.Asp496Asn; replaces aspartic acid 496 with asparagine.
Molecular consequence: missense variant.
Genome position (GRCh38, 1-based): chr3:143,382,098, C>T on the plus strand (G>A on the coding strand, the complement: SLC9A9 is on the minus strand). VCF-style: chr3-143382098-C-T. GRCh37 (hg19) VCF-style: chr3-143100940-C-T.
Other names: short protein forms D496N.
Identifiers: ClinVar variation 252794 (VCV000252794.21), dbSNP rs111291437, ClinGen allele CA2653809.
Genomic context (GRCh38, chr3:143,382,098, plus strand): 5'-TGCATTGGTTTCTTTGACTTGCCTGGTGTTGTGAGGAGGGGTCCTCCTTCAGATTTTCAT[C>T]CAGGTCCACGCCAACTCTGTTAAACAAAACCAAAAACTGGTCAATCCCCTGCTGCAGAAG-3'
Protein context (NP_775924.1, residues 486-506): WLQIRVGVDL[Asp496Asn]ENLKEDPSSQ

ClinVar aggregate classification (germline): Likely benign. Review status: criteria provided, multiple submitters, no conflicts (2 of 4 stars). 4 submissions from 4 submitters: Likely benign (4). Last evaluated 2024-11-26.

Conditions:
Autism, susceptibility to, 16. Also called: AUTISM WITH OR WITHOUT SEIZURES; Autism susceptibility 16. Identifiers: MedGen C3150677, MONDO:0013258, OMIM 613410.

Allele frequency attached by ClinVar (database versions not stated): ESP Exome Variant Server 0.00023; 1000 Genomes Project 0.00060; gnomAD 0.00061 and 0.00066; TOPMed 0.00061; 1000 Genomes Project 30x 0.00062; gnomAD exomes 0.00103 and 0.00135; ExAC 0.00104.
gnomAD v4.1: 2,094 of 1,614,100 alleles (0.13%); highest among the groups gnomAD compares: South Asian, 0.37%; 10 homozygotes.

Submissions (4):

Blueprint Genetics
Classification: Likely benign. Last evaluated: 2024-11-26. Review status: criteria provided, single submitter. Criteria: ACMG Guidelines, 2015. Collection method: clinical testing. Allele origin: germline.

CeGaT Center for Human Genetics Tuebingen
Classification: Likely benign. Last evaluated: 2024-08-01. Review status: criteria provided, single submitter. Criteria: CeGaT Center For Human Genetics Tuebingen Variant Classification Criteria Version 2. Collection method: clinical testing. Allele origin: germline. Affected: yes. Observed: 2 variant alleles.
Comment: SLC9A9: BP4, BS2

Fulgent Genetics
Classification: Likely benign for Autism, susceptibility to, 16. Last evaluated: 2021-11-11. Review status: criteria provided, single submitter. Criteria: ACMG Guidelines, 2015. Collection method: clinical testing. Allele origin: unknown.

Genomic Diagnostic Laboratory, Division of Genomic Diagnostics, Children's Hospital of Philadelphia
Classification: Likely benign. Last evaluated: 2015-11-06. Review status: criteria provided, single submitter. Criteria: DGD Variant Analysis Guidelines. Collection method: clinical testing. Allele origin: unknown.